The following is an entry in ClinVar:

NM_206937.2(LIG4):c.1280A>C (p.Glu427Ala)

Gene: LIG4 (DNA ligase 4; minus strand). Cytogenetic location: 13q33.3.
Variant type: single nucleotide variant.
Coding change: c.1280A>C on transcript NM_206937.2 (MANE Select); coding-DNA position 1280, A replaced by C.
Protein change: p.Glu427Ala; replaces glutamic acid 427 with alanine.
Molecular consequence: missense variant.
Genome position (GRCh38, 1-based): chr13:108,209,989, T>G on the plus strand (A>C on the coding strand, the complement: LIG4 is on the minus strand). VCF-style: chr13-108209989-T-G. GRCh37 (hg19) VCF-style: chr13-108862337-T-G.
Other names: c.1280A>C, p.Glu427Ala (NM_001098268.2, NM_001352598.2, NM_001352599.2 and 6 more transcripts); c.1079A>C, p.Glu360Ala (NM_001330595.2); c.1316A>C, p.Glu439Ala (NM_001352604.2); short protein forms E360A, E427A, E439A.
Identifiers: ClinVar variation 3907623 (VCV003907623.1).
Genomic context (GRCh38, chr13:108,209,989, plus strand): 5'-CACCCTTCACCTCTTTTGTCTGGCTTGTAGATGGATAGAGGTTGTTTTACCATAATTCCC[T>G]CTTCTCTTTTATCTATTGCTTCATTCAATGCATCAATTACTTCATTCTTAGTATGAGCTT-3'
Protein context (NP_996820.1, residues 417-437): ALNEAIDKRE[Glu427Ala]GIMVKQPLSI

ClinVar aggregate classification (germline): Uncertain significance (1 of 4 stars; one submission).

Submission:

Women's Health and Genetics/Laboratory Corporation of America, LabCorp
Classification: Uncertain significance. Last evaluated: 2025-06-20. Review status: criteria provided, single submitter. Criteria: LabCorp Variant Classification Summary - May 2015. Collection method: clinical testing. Allele origin: germline.
Comment: Variant summary: LIG4 c.1280A>C (p.Glu427Ala) results in a non-conservative amino acid change in the encoded protein sequence. Algorithms developed to predict the effect of missense changes on protein structure and function all suggest that this variant is likely to be disruptive. The variant was absent in 250196 control chromosomes. The available data on variant occurrences in the general population are insufficient to allow any conclusion about variant significance. c.1280A>C has been observed in the presumed compound heterozygous state in at least 1 individual(s) affected with atypical Severe Combined Immunodeficiency (example, Felgentreff_2011, Woodbine_2014). These data do not allow any conclusion about variant significance. To our knowledge, no experimental evidence demonstrating an impact on protein function has been reported. The following publications have been ascertained in the context of this evaluation (PMID: 21664875, 28039949, 33586762, 29980672, 24629483, 24780557, 27717373, 19056826). No submitters have cited clinical-significance assessments for this variant to ClinVar. Based on the evidence outlined above, the variant was classified as uncertain significance.

Literature cited by the submitters: PubMed 21664875; PubMed 28039949; PubMed 33586762; PubMed 29980672; PubMed 24780557; PubMed 27717373; PubMed 19056826; PubMed 24629483.